The following is an entry in ClinVar:

ClinVar aggregate classification (germline): Pathogenic (1 of 4 stars; one submission).

Conditions:
Juvenile polyposis syndrome (JPS). Identifiers: Orphanet 2929, MedGen C0345893, MONDO:0017380, OMIM 174900.

Submission:

Labcorp Genetics (formerly Invitae), Labcorp
Classification: Pathogenic for Juvenile polyposis syndrome. Last evaluated: 2021-10-31. Review status: criteria provided, single submitter. Criteria: Invitae Variant Classification Sherloc (09022015). Collection method: clinical testing. Allele origin: germline.
Comment: For these reasons, this variant has been classified as Pathogenic. ClinVar contains an entry for this variant (Variation ID: 411600). This variant has not been reported in the literature in individuals affected with BMPR1A-related conditions. This variant is not present in population databases (gnomAD no frequency). This sequence change creates a premature translational stop signal (p.Ile72*) in the BMPR1A gene. It is expected to result in an absent or disrupted protein product. Loss-of-function variants in BMPR1A are known to be pathogenic (PMID: 11536076, 12417513).

Literature cited by the submitters: PubMed 11536076; PubMed 12417513.

NM_004329.3(BMPR1A):c.213_228del (p.Ala71_Ile72insTer)

Gene: BMPR1A (bone morphogenetic protein receptor type 1A; plus strand). Cytogenetic location: 10q23.2.
Variant type: Deletion.
Coding change: c.213_228del on transcript NM_004329.3 (MANE Select); coding-DNA positions 213 to 228, 16 bases deleted (TATTAATAACACATGC).
Protein change: p.Ala71_Ile72insTer.
Molecular consequence: frameshift variant.
Genome position (GRCh38, 1-based): chr10:86,890,207-86,890,222, TATTAATAACACATGC deleted; deleting any 16 consecutive bases within chr10:86,890,203-86,890,222 gives the same sequence; the c. name uses the placement nearest the transcript's 3' end. VCF-style (leftmost placement, unchanged base first): chr10-86890202-GATGCTATTAATAACAC-G. GRCh37 (hg19) VCF-style: chr10-88649959-GATGCTATTAATAACAC-G.
Other names: c.213_228delTATTAATAACACATGC (NM_004329.2).
Identifiers: ClinVar variation 411600 (VCV000411600.8), dbSNP rs1064792985, ClinGen allele CA16613195.